The following is an entry in ClinVar:

NM_022829.6(SLC13A3):c.1109T>C (p.Leu370Pro)

Gene: SLC13A3 (solute carrier family 13 member 3; minus strand). Cytogenetic location: 20q13.12.
Variant type: single nucleotide variant.
Coding change: c.1109T>C on transcript NM_022829.6 (MANE Select); coding-DNA position 1109, T replaced by C.
Protein change: p.Leu370Pro; replaces leucine 370 with proline.
Molecular consequence: missense variant. On other transcripts: intron variant (1).
Genome position (GRCh38, 1-based): chr20:46,588,071, A>G on the plus strand (T>C on the coding strand, the complement: SLC13A3 is on the minus strand). VCF-style: chr20-46588071-A-G. GRCh37 (hg19) VCF-style: chr20-45216710-A-G.
Other names: c.968T>C, p.Leu323Pro (NM_001011554.3); c.959T>C, p.Leu320Pro (NM_001193339.2); c.815T>C, p.Leu272Pro (NM_001193342.2); c.875+1089T>C (NM_001193340.2); short protein forms L323P, L272P, L320P, L370P.
Identifiers: ClinVar variation 2132787 (VCV002132787.4), dbSNP rs2516595449, ClinGen allele CA409263598.

ClinVar aggregate classification (germline): Uncertain significance (1 of 4 stars; one submission).

Submission:

Labcorp Genetics (formerly Invitae), Labcorp
Classification: Uncertain significance. Last evaluated: 2022-05-03. Review status: criteria provided, single submitter. Criteria: Invitae Variant Classification Sherloc (09022015). Collection method: clinical testing. Allele origin: germline.
Comment: In summary, the available evidence is currently insufficient to determine the role of this variant in disease. Therefore, it has been classified as a Variant of Uncertain Significance. Algorithms developed to predict the effect of missense changes on protein structure and function are either unavailable or do not agree on the potential impact of this missense change (SIFT: "Deleterious"; PolyPhen-2: "Possibly Damaging"; Align-GVGD: "Class C0"). This variant has not been reported in the literature in individuals affected with SLC13A3-related conditions. This variant is not present in population databases (gnomAD no frequency). This sequence change replaces leucine, which is neutral and non-polar, with proline, which is neutral and non-polar, at codon 370 of the SLC13A3 protein (p.Leu370Pro).